The following is an entry in ClinVar:

ClinVar aggregate classification (germline): Uncertain significance (1 of 4 stars; one submission).

Submission:

Ambry Genetics
Classification: Uncertain significance. Last evaluated: 2023-10-26. Review status: criteria provided, single submitter. Criteria: Ambry Variant Classification Scheme 2023. Collection method: clinical testing. Allele origin: germline.
Comment: The p.N349D variant (also known as c.1045A>G), located in coding exon 7 of the IDH1 gene, results from an A to G substitution at nucleotide position 1045. The asparagine at codon 349 is replaced by aspartic acid, an amino acid with highly similar properties. This amino acid position is conserved. In addition, the in silico prediction for this alteration is inconclusive. Since supporting evidence is limited at this time, the clinical significance of this alteration remains unclear.

NM_005896.4(IDH1):c.1045A>G (p.Asn349Asp)

Gene: IDH1 (isocitrate dehydrogenase (NADP(+)) 1; minus strand). Cytogenetic location: 2q34.
Variant type: single nucleotide variant.
Coding change: c.1045A>G on transcript NM_005896.4 (MANE Select); coding-DNA position 1045, A replaced by G.
Protein change: p.Asn349Asp; replaces asparagine 349 with aspartic acid.
Molecular consequence: missense variant.
Genome position (GRCh38, 1-based): chr2:208,239,180, T>C on the plus strand (A>G on the coding strand, the complement: IDH1 is on the minus strand). VCF-style: chr2-208239180-T-C. GRCh37 (hg19) VCF-style: chr2-209103904-T-C.
Other names: c.1045A>G, p.Asn349Asp (NM_001282386.1, NM_001282387.1); short protein forms N349D.
Identifiers: ClinVar variation 3225117 (VCV003225117.1), dbSNP rs1687872111, ClinGen allele CA350094635.